The following is an entry in ClinVar:

NM_020297.4(ABCC9):c.319C>T (p.Pro107Ser)

Gene: ABCC9 (ATP binding cassette subfamily C member 9; minus strand). Cytogenetic location: 12p12.1.
Variant type: single nucleotide variant.
Coding change: c.319C>T on transcript NM_020297.4 (MANE Select); coding-DNA position 319, C replaced by T.
Protein change: p.Pro107Ser; replaces proline 107 with serine.
Molecular consequence: missense variant. On other transcripts: 5 prime UTR variant (1).
Genome position (GRCh38, 1-based): chr12:21,926,029, G>A on the plus strand (C>T on the coding strand, the complement: ABCC9 is on the minus strand). VCF-style: chr12-21926029-G-A. GRCh37 (hg19) VCF-style: chr12-22078963-G-A.
Other names: c.319C>T, p.Pro107Ser (NM_001377273.1, NM_005691.4); c.-136C>T (NM_001377274.1); short protein forms P107S.
Identifiers: ClinVar variation 3658637 (VCV003658637.2).

ClinVar aggregate classification (germline): Uncertain significance (1 of 4 stars; one submission).

Conditions:
Dilated cardiomyopathy 1O (CMD1O). Also called: CARDIOMYOPATHY, DILATED, WITH VENTRICULAR TACHYCARDIA. Identifiers: Orphanet 154, MedGen C1837839, MONDO:0012062, OMIM 608569.

Submission:

Labcorp Genetics (formerly Invitae), Labcorp
Classification: Uncertain significance for Dilated cardiomyopathy 1O. Last evaluated: 2024-08-21. Review status: criteria provided, single submitter. Criteria: Invitae Variant Classification Sherloc (09022015). Collection method: clinical testing. Allele origin: germline.
Comment: This sequence change replaces proline, which is neutral and non-polar, with serine, which is neutral and polar, at codon 107 of the ABCC9 protein (p.Pro107Ser). This variant is not present in population databases (gnomAD no frequency). This variant has not been reported in the literature in individuals affected with ABCC9-related conditions. Invitae Evidence Modeling of protein sequence and biophysical properties (such as structural, functional, and spatial information, amino acid conservation, physicochemical variation, residue mobility, and thermodynamic stability) indicates that this missense variant is expected to disrupt ABCC9 protein function with a positive predictive value of 95%. In summary, the available evidence is currently insufficient to determine the role of this variant in disease. Therefore, it has been classified as a Variant of Uncertain Significance.